The following is an entry in ClinVar:

NM_002334.4(LRP4):c.1436G>T (p.Arg479Leu)

Gene: LRP4 (LDL receptor related protein 4; minus strand). Cytogenetic location: 11p11.2.
Variant type: single nucleotide variant.
Coding change: c.1436G>T on transcript NM_002334.4 (MANE Select); coding-DNA position 1436, G replaced by T.
Protein change: p.Arg479Leu; replaces arginine 479 with leucine.
Molecular consequence: missense variant.
Genome position (GRCh38, 1-based): chr11:46,894,693, C>A on the plus strand (G>T on the coding strand, the complement: LRP4 is on the minus strand). VCF-style: chr11-46894693-C-A. GRCh37 (hg19) VCF-style: chr11-46916244-C-A.
Other names: c.1436G>T (NM_002334.3); short protein forms R479L.
Identifiers: ClinVar variation 2139825 (VCV002139825.6), dbSNP rs764520299, ClinGen allele CA380285523.

ClinVar aggregate classification (germline): Uncertain significance. Review status: criteria provided, multiple submitters, no conflicts (2 of 4 stars). 3 submissions from 3 submitters: Uncertain significance (3). Last evaluated 2024-12-22.

Conditions:
Congenital myasthenic syndrome 17. Identifiers: Orphanet 590, MedGen C4225377, MONDO:0014578, OMIM 616304.
Cenani-Lenz syndactyly syndrome. Also called: SYNDACTYLY, TYPE VII; CENANI SYNDACTYLISM. Identifiers: Orphanet 3258, MedGen C1859309, MONDO:0008931, OMIM 212780.
Sclerosteosis 2 (SOST2). Identifiers: Orphanet 3152, MedGen C3280402, MONDO:0013679, OMIM 614305.
Inborn genetic diseases. Identifiers: MedGen C0950123, MeSH D030342.

gnomAD v4.1: 17 of 1,614,188 alleles (0.0011%); highest among the groups gnomAD compares: Non-Finnish European, 0.0014%; no homozygotes.

Submissions (3):

Ambry Genetics
Classification: Uncertain significance for Inborn genetic diseases. Last evaluated: 2024-12-22. Review status: criteria provided, single submitter. Criteria: Ambry Variant Classification Scheme 2023. Collection method: clinical testing. Allele origin: germline.

GeneDx
Classification: Uncertain significance. Last evaluated: 2024-03-16. Review status: criteria provided, single submitter. Criteria: GeneDx Variant Classification Process June 2021. Collection method: clinical testing. Allele origin: germline. Affected: yes.
Comment: Not observed at significant frequency in large population cohorts (gnomAD); In silico analysis supports that this missense variant has a deleterious effect on protein structure/function; Has not been previously published as pathogenic or benign to our knowledge

Labcorp Genetics (formerly Invitae), Labcorp
Classification: Uncertain significance for Cenani-Lenz syndactyly syndrome; Sclerosteosis 2; Congenital myasthenic syndrome 17. Last evaluated: 2022-11-22. Review status: criteria provided, single submitter. Criteria: Invitae Variant Classification Sherloc (09022015). Collection method: clinical testing. Allele origin: germline.
Comment: This sequence change replaces arginine, which is basic and polar, with leucine, which is neutral and non-polar, at codon 479 of the LRP4 protein (p.Arg479Leu). This variant has not been reported in the literature in individuals affected with LRP4-related conditions. This variant is not present in population databases (gnomAD no frequency). In summary, the available evidence is currently insufficient to determine the role of this variant in disease. Therefore, it has been classified as a Variant of Uncertain Significance. Advanced modeling of protein sequence and biophysical properties (such as structural, functional, and spatial information, amino acid conservation, physicochemical variation, residue mobility, and thermodynamic stability) performed at Invitae indicates that this missense variant is not expected to disrupt LRP4 protein function.